The following is an entry in ClinVar:

NM_003322.6(TULP1):c.370G>A (p.Asp124Asn)

Gene: TULP1 (TUB like protein 1; minus strand). Cytogenetic location: 6p21.31.
Variant type: single nucleotide variant.
Coding change: c.370G>A on transcript NM_003322.6 (MANE Select); coding-DNA position 370, G replaced by A.
Protein change: p.Asp124Asn; replaces aspartic acid 124 with asparagine.
Molecular consequence: missense variant.
Genome position (GRCh38, 1-based): chr6:35,510,990, C>T on the plus strand (G>A on the coding strand, the complement: TULP1 is on the minus strand). VCF-style: chr6-35510990-C-T. GRCh37 (hg19) VCF-style: chr6-35478767-C-T.
Other names: c.211G>A, p.Asp71Asn (NM_001289395.2); c.370G>A (NM_003322.3); short protein forms D124N, D71N.
Identifiers: ClinVar variation 2197886 (VCV002197886.3), dbSNP rs565455738, ClinGen allele CA3772941.
Genomic context (GRCh38, chr6:35,510,990, plus strand): 5'-TGGGAGGCAGAAGGATTTTCTCTTTCTTTTCCTCTGCCTCCTCTTCCTCGTCCTCCTCGT[C>T]CTCCTCTTCCTCCTCCTCCTCTGCAGGTAGAAACTCTTCATAATGGGGGTTTGAGCCGGG-3'
Protein context (NP_003313.3, residues 114-134): AEDEEEEEEE[Asp124Asn]EEDEEEEAEE

ClinVar aggregate classification (germline): Uncertain significance. Review status: criteria provided, multiple submitters, no conflicts (2 of 4 stars). 3 submissions from 3 submitters: Uncertain significance (3). Last evaluated 2023-10-01.

Conditions:
Retinal dystrophy. Also called: Inherited retinal dystrophy. Identifiers: Orphanet 71862, MedGen C0854723, MeSH D058499, MONDO:0019118, HP:0000556.
Inborn genetic diseases. Identifiers: MedGen C0950123, MeSH D030342.

Allele frequency attached by ClinVar (database versions not stated): gnomAD exomes 0.00001; TOPMed 0.00002; ExAC 0.00004; gnomAD 0.00004; 1000 Genomes Project 0.00020; 1000 Genomes Project 30x 0.00031.

Submissions (3):

Dept Of Ophthalmology, Nagoya University
Classification: Uncertain significance for Retinal dystrophy. Last evaluated: 2023-10-01. Review status: criteria provided, single submitter. Criteria: Submitter's publication. Collection method: research. Allele origin: germline. Affected: yes.

Ambry Genetics
Classification: Uncertain significance for Inborn genetic diseases. Last evaluated: 2022-10-27. Review status: criteria provided, single submitter. Criteria: Ambry Variant Classification Scheme 2023. Collection method: clinical testing. Allele origin: germline.

Labcorp Genetics (formerly Invitae), Labcorp
Classification: Uncertain significance. Last evaluated: 2022-02-24. Review status: criteria provided, single submitter. Criteria: Invitae Variant Classification Sherloc (09022015). Collection method: clinical testing. Allele origin: germline.
Comment: This sequence change replaces aspartic acid, which is acidic and polar, with asparagine, which is neutral and polar, at codon 124 of the TULP1 protein (p.Asp124Asn). The frequency data for this variant in the population databases is considered unreliable, as metrics indicate poor data quality at this position in the gnomAD database. This variant has not been reported in the literature in individuals affected with TULP1-related conditions. Algorithms developed to predict the effect of missense changes on protein structure and function are either unavailable or do not agree on the potential impact of this missense change (SIFT: "Not Available"; PolyPhen-2: "Benign"; Align-GVGD: "Not Available"). In summary, the available evidence is currently insufficient to determine the role of this variant in disease. Therefore, it has been classified as a Variant of Uncertain Significance.